The following is an entry in ClinVar:

NM_152564.5(VPS13B):c.2885C>T (p.Thr962Met)

Gene: VPS13B (vacuolar protein sorting 13 homolog B; plus strand). Cytogenetic location: 8q22.2.
Variant type: single nucleotide variant.
Coding change: c.2885C>T on transcript NM_152564.5 (MANE Select); coding-DNA position 2885, C replaced by T.
Protein change: p.Thr962Met; replaces threonine 962 with methionine.
Molecular consequence: missense variant.
Genome position (GRCh38, 1-based): chr8:99,384,268, C>T. VCF-style: chr8-99384268-C-T. GRCh37 (hg19) VCF-style: chr8-100396496-C-T.
Other names: c.2885C>T (NM_152564.4); c.2885C>T, p.Thr962Met (NM_017890.5); short protein forms T962M.
Identifiers: ClinVar variation 728752 (VCV000728752.23), dbSNP rs547184348, ClinGen allele CA4823077.

ClinVar aggregate classification (germline): Conflicting classifications of pathogenicity. Review status: criteria provided, conflicting classifications (1 of 4 stars). 7 submissions from 7 submitters: Uncertain significance (2); Benign (1); Likely benign (2). 2 of the submissions do not count toward it. Last evaluated 2026-02-02.

Conditions:
VPS13B-related disorder. Also called: VPS13B-related condition.
Cohen syndrome (COH1). Also called: PEPPER SYNDROME; Cutis verticis gyrata, retinitis pigmentosa, and sensorineural deafness. Identifiers: Orphanet 193, MedGen C0265223, MONDO:0008999, OMIM 216550.
Inborn genetic diseases. Identifiers: MedGen C0950123, MeSH D030342.

Allele frequency attached by ClinVar (database versions not stated): gnomAD 0.00003 and 0.00010; TOPMed 0.00006; gnomAD exomes 0.00012 and 0.00022; ExAC 0.00026; 1000 Genomes Project 0.00060; 1000 Genomes Project 30x 0.00062.
gnomAD v4.1: 186 of 1,613,926 alleles (0.012%); highest among the groups gnomAD compares: South Asian, 0.17%; 2 homozygotes.

Submissions (7):

Labcorp Genetics (formerly Invitae), Labcorp
Classification: Benign for Cohen syndrome. Last evaluated: 2026-02-02. Review status: criteria provided, single submitter. Criteria: Invitae Variant Classification Sherloc (09022015). Collection method: clinical testing. Allele origin: germline.

Blueprint Genetics
Classification: Likely benign. Last evaluated: 2024-11-13. Review status: criteria provided, single submitter. Criteria: ACMG Guidelines, 2015. Collection method: clinical testing. Allele origin: germline.

Dubai Health Genomic Medicine Center, Dubai Health
Classification: Likely benign for Cohen syndrome. Last evaluated: 2020-11-23. Review status: criteria provided, single submitter. Criteria: ACMG Guidelines, 2015. Collection method: clinical testing. Allele origin: germline. Affected: yes.

Ambry Genetics
Classification: Uncertain significance for Inborn genetic diseases. Last evaluated: 2018-06-20. Review status: criteria provided, single submitter. Criteria: Ambry Variant Classification Scheme 2023. Collection method: clinical testing. Allele origin: germline.
Comment: The p.T962M variant (also known as c.2885C>T), located in coding exon 19 of the VPS13B gene, results from a C to T substitution at nucleotide position 2885. The threonine at codon 962 is replaced by methionine, an amino acid with similar properties. This amino acid position is not well conserved in available vertebrate species, and methionine is the reference amino acid in other vertebrate species. In addition, this alteration is predicted to be tolerated by in silico analysis. Since supporting evidence is limited at this time, the clinical significance of this alteration remains unclear.

Illumina Laboratory Services, Illumina
Classification: Uncertain significance for Cohen syndrome. Last evaluated: 2018-01-15. Review status: criteria provided, single submitter. Criteria: ICSL Variant Classification Criteria 13 December 2019. Collection method: clinical testing. Allele origin: germline.

PreventionGenetics, part of Exact Sciences
Classification: Likely benign for VPS13B-related condition. Last evaluated: 2022-01-28. Review status: no assertion criteria provided. Collection method: clinical testing. Allele origin: germline. Not counted in ClinVar's aggregate classification.
Comment: This variant is classified as likely benign based on ACMG/AMP sequence variant interpretation guidelines (Richards et al. 2015 PMID: 25741868, with internal and published modifications).

Natera, Inc.
Classification: Benign for Cohen syndrome. Last evaluated: 2020-09-16. Review status: no assertion criteria provided. Collection method: clinical testing. Allele origin: germline. Not counted in ClinVar's aggregate classification.